The following is an entry in ClinVar:

ClinVar aggregate classification (germline): Pathogenic (1 of 4 stars; one submission).

Conditions:
Neurofibromatosis, type 1 (NF1). Also called: Neurofibromatosis, type I; VON RECKLINGHAUSEN DISEASE; Peripheral type neurofibromatosis; NEUROFIBROMATOSIS, TYPE I, SOMATIC. Identifiers: Orphanet 636, MedGen C0027831, MONDO:0018975, OMIM 162200. Disease mechanism: loss of function.

Submission:

Labcorp Genetics (formerly Invitae), Labcorp
Classification: Pathogenic for Neurofibromatosis, type 1. Last evaluated: 2019-02-12. Review status: criteria provided, single submitter. Criteria: Invitae Variant Classification Sherloc (09022015). Collection method: clinical testing. Allele origin: germline.
Comment: This sequence change creates a premature translational stop signal (p.Cys2115Phefs*6) in the NF1 gene. It is expected to result in an absent or disrupted protein product. This variant is not present in population databases (ExAC no frequency). Loss-of-function variants in NF1 are known to be pathogenic (PMID: 10712197, 23913538). For these reasons, this variant has been classified as Pathogenic.

Literature cited by the submitters: PubMed 10712197; PubMed 23913538.

NM_001042492.3(NF1):c.6407_6408del (p.Cys2136fs)

Gene: NF1 (neurofibromin 1; plus strand). Cytogenetic location: 17q11.2.
Variant type: Deletion.
Coding change: c.6407_6408del on transcript NM_001042492.3 (MANE Select); coding-DNA positions 6407 to 6408, 2 bases deleted (GT; older notation c.6407_6408delGT).
Protein change: p.Cys2136fs; shifts the reading frame from cysteine 2136.
Molecular consequence: frameshift variant.
Genome position (GRCh38, 1-based): chr17:31,336,894-31,336,895, GT deleted; deleting any 2 consecutive bases within chr17:31,336,893-31,336,895 gives the same sequence; the c. name uses the placement nearest the transcript's 3' end. VCF-style (leftmost placement, unchanged base first): chr17-31336892-TTG-T. GRCh37 (hg19) VCF-style: chr17-29663910-TTG-T.
Other names: c.6344_6345delGT, p.Cys2115Phefs (NM_000267.4); short protein forms C2136fs, C2115fs.
Identifiers: ClinVar variation 864428 (VCV000864428.6), dbSNP rs2069691007, ClinGen allele CA916080670.